The following is an entry in ClinVar:

NM_144670.6(A2ML1):c.2748A>T (p.Ser916=)

Gene: A2ML1 (alpha-2-macroglobulin like 1; plus strand). Cytogenetic location: 12p13.31.
Variant type: single nucleotide variant.
Coding change: c.2748A>T on transcript NM_144670.6 (MANE Select); coding-DNA position 2748, A replaced by T.
Protein change: p.Ser916=; no amino-acid change (serine 916 retained).
Molecular consequence: synonymous variant.
Genome position (GRCh38, 1-based): chr12:8,854,815, A>T. VCF-style: chr12-8854815-A-T. GRCh37 (hg19) VCF-style: chr12-9007411-A-T.
Other names: c.1275A>T, p.Ser425= (NM_001282424.3).
Identifiers: ClinVar variation 3030111 (VCV003030111.2), dbSNP rs2539266204, ClinGen allele CA478302482.

ClinVar aggregate classification (germline): Likely benign (0 of 4 stars; one submission).

Conditions:
A2ML1-related disorder. Also called: A2ML1-related condition.

Submission:

PreventionGenetics, part of Exact Sciences
Classification: Likely benign for A2ML1-related condition. Last evaluated: 2021-01-13. Review status: no assertion criteria provided. Collection method: clinical testing. Allele origin: germline.
Comment: This variant is classified as likely benign based on ACMG/AMP sequence variant interpretation guidelines (Richards et al. 2015 PMID: 25741868, with internal and published modifications).